The following is an entry in ClinVar:

NM_002907.4(RECQL):c.1892T>A (p.Leu631His)

Genes: PYROXD1 (pyridine nucleotide-disulphide oxidoreductase domain 1; plus strand), RECQL (RecQ like helicase; minus strand). Cytogenetic location: 12p12.1.
Variant type: single nucleotide variant.
Coding change: c.1892T>A on transcript NM_002907.4 (MANE Select); coding-DNA position 1892, T replaced by A.
Protein change: p.Leu631His; replaces leucine 631 with histidine.
Molecular consequence: missense variant. On other transcripts: 3 prime UTR variant (3).
Genome position (GRCh38, 1-based): chr12:21,470,252, A>T on the plus strand (T>A on the coding strand, the complement: RECQL is on the minus strand). VCF-style: chr12-21470252-A-T. GRCh37 (hg19) VCF-style: chr12-21623186-A-T.
Other names: c.1892T>A, p.Leu631His (NM_032941.3); c.*1498A>T (NM_001350912.2, NM_001350913.2, NM_024854.5); short protein forms L631H.
Identifiers: ClinVar variation 3222959 (VCV003222959.1), dbSNP rs2540304842, ClinGen allele CA384113649.

ClinVar aggregate classification (germline): Uncertain significance (1 of 4 stars; one submission).

Submission:

Ambry Genetics
Classification: Uncertain significance. Last evaluated: 2023-09-23. Review status: criteria provided, single submitter. Criteria: Ambry Variant Classification Scheme 2023. Collection method: clinical testing. Allele origin: germline.
Comment: The p.L631H variant (also known as c.1892T>A), located in coding exon 14 of the RECQL gene, results from a T to A substitution at nucleotide position 1892. The leucine at codon 631 is replaced by histidine, an amino acid with similar properties. This amino acid position is conserved. In addition, this alteration is predicted to be tolerated by in silico analysis. Since supporting evidence is limited at this time, the clinical significance of this alteration remains unclear.